The following is an entry in ClinVar:

NM_022166.4(XYLT1):c.2269G>C (p.Gly757Arg)

Gene: XYLT1 (xylosyltransferase 1; minus strand). Cytogenetic location: 16p12.3.
Variant type: single nucleotide variant.
Coding change: c.2269G>C on transcript NM_022166.4 (MANE Select); coding-DNA position 2269, G replaced by C.
Protein change: p.Gly757Arg; replaces glycine 757 with arginine.
Molecular consequence: missense variant.
Genome position (GRCh38, 1-based): chr16:17,117,934, C>G on the plus strand (G>C on the coding strand, the complement: XYLT1 is on the minus strand). VCF-style: chr16-17117934-C-G. GRCh37 (hg19) VCF-style: chr16-17211791-C-G.
Other names: short protein forms G757R.
Identifiers: ClinVar variation 1313400 (VCV001313400.2), dbSNP rs2141484621, ClinGen allele CA395218755.

ClinVar aggregate classification (germline): Uncertain significance (1 of 4 stars; one submission).

Submission:

GeneDx
Classification: Uncertain significance. Last evaluated: 2020-01-27. Review status: criteria provided, single submitter. Criteria: GeneDx Variant Classification Process June 2021. Collection method: clinical testing. Allele origin: germline. Affected: yes.
Comment: Not observed in large population cohorts (Lek et al., 2016); In silico analysis, which includes protein predictors and evolutionary conservation, supports a deleterious effect; Has not been previously published as pathogenic or benign to our knowledge